The following is an entry in ClinVar:

ClinVar aggregate classification (germline): Uncertain significance (1 of 4 stars; one submission).

Conditions:
Cardiovascular phenotype. Identifiers: MedGen CN230736.

Submission:

Ambry Genetics
Classification: Uncertain significance for Cardiovascular phenotype. Last evaluated: 2022-10-07. Review status: criteria provided, single submitter. Criteria: Ambry Variant Classification Scheme 2023. Collection method: clinical testing. Allele origin: germline.
Comment: The p.A468G variant (also known as c.1403C>G), located in coding exon 8 of the TBX1 gene, results from a C to G substitution at nucleotide position 1403. The alanine at codon 468 is replaced by glycine, an amino acid with similar properties. This amino acid position is conserved. In addition, this alteration is predicted to be tolerated by in silico analysis. Since supporting evidence is limited at this time, the clinical significance of this alteration remains unclear.

NM_001379200.1(TBX1):c.1430C>G (p.Ala477Gly)

Gene: TBX1 (T-box transcription factor 1; plus strand). Cytogenetic location: 22q11.21.
Variant type: single nucleotide variant.
Coding change: c.1430C>G on transcript NM_001379200.1 (MANE Select); coding-DNA position 1430, C replaced by G.
Protein change: p.Ala477Gly; replaces alanine 477 with glycine.
Molecular consequence: missense variant. On other transcripts: intron variant (2).
Genome position (GRCh38, 1-based): chr22:19,766,782, C>G. VCF-style: chr22-19766782-C-G. GRCh37 (hg19) VCF-style: chr22-19754305-C-G.
Other names: c.1403C>G, p.Ala468Gly (NM_080647.1); c.1009+780C>G (NM_005992.1, NM_080646.2); short protein forms A468G, A477G.
Identifiers: ClinVar variation 1771855 (VCV001771855.2), dbSNP rs2517859631, ClinGen allele CA410685467.